The following is an entry in ClinVar:

ClinVar aggregate classification (germline): Uncertain significance. Review status: criteria provided, multiple submitters, no conflicts (2 of 4 stars). 2 submissions from 2 submitters: Uncertain significance (2). Last evaluated 2025-09-12.

Conditions:
Inborn genetic diseases. Identifiers: MedGen C0950123, MeSH D030342.

Allele frequency attached by ClinVar (database versions not stated): gnomAD exomes below 0.00001; TOPMed below 0.00001; gnomAD 0.00001.
gnomAD v4.1: 1 of 1,610,232 alleles (0.000062%); highest among the groups gnomAD compares: Non-Finnish European, 0.000085%; no homozygotes.

Submissions (2):

Ambry Genetics
Classification: Uncertain significance for Inborn genetic diseases. Last evaluated: 2025-09-12. Review status: criteria provided, single submitter. Criteria: Ambry Variant Classification Scheme 2023. Collection method: clinical testing. Allele origin: germline.
Comment: The p.S1263Y variant (also known as c.3788C>A), located in coding exon 1 of the SAMD9 gene, results from a C to A substitution at nucleotide position 3788. The serine at codon 1263 is replaced by tyrosine, an amino acid with dissimilar properties. This amino acid position is conserved. In addition, this alteration is predicted to be tolerated by in silico analysis. Based on the available evidence, the clinical significance of this variant remains unclear.

Labcorp Genetics (formerly Invitae), Labcorp
Classification: Uncertain significance. Last evaluated: 2021-12-09. Review status: criteria provided, single submitter. Criteria: Invitae Variant Classification Sherloc (09022015). Collection method: clinical testing. Allele origin: germline.
Comment: This variant has not been reported in the literature in individuals affected with SAMD9-related conditions. Algorithms developed to predict the effect of missense changes on protein structure and function (SIFT, PolyPhen-2, Align-GVGD) all suggest that this variant is likely to be tolerated. In summary, the available evidence is currently insufficient to determine the role of this variant in disease. Therefore, it has been classified as a Variant of Uncertain Significance. The frequency data for this variant in the population databases is considered unreliable, as metrics indicate poor data quality at this position in the gnomAD database. This sequence change replaces serine, which is neutral and polar, with tyrosine, which is neutral and polar, at codon 1263 of the SAMD9 protein (p.Ser1263Tyr).

NM_017654.4(SAMD9):c.3788C>A (p.Ser1263Tyr)

Gene: SAMD9 (sterile alpha motif domain containing 9; minus strand). Cytogenetic location: 7q21.2.
Variant type: single nucleotide variant.
Coding change: c.3788C>A on transcript NM_017654.4 (MANE Select); coding-DNA position 3788, C replaced by A.
Protein change: p.Ser1263Tyr; replaces serine 1263 with tyrosine.
Molecular consequence: missense variant.
Genome position (GRCh38, 1-based): chr7:93,102,310, G>T on the plus strand (C>A on the coding strand, the complement: SAMD9 is on the minus strand). VCF-style: chr7-93102310-G-T. GRCh37 (hg19) VCF-style: chr7-92731623-G-T.
Other names: c.3788C>A (NM_017654.3); c.3788C>A, p.Ser1263Tyr (NM_001193307.2); short protein forms S1263Y.
Identifiers: ClinVar variation 1428908 (VCV001428908.7), dbSNP rs990278730, ClinGen allele CA161989974.